The following is an entry in ClinVar:

NM_017780.4(CHD7):c.1808_1811del (p.Asn603fs)

Genes: CHD7 (chromodomain helicase DNA binding protein 7; plus strand), LOC126860403 (CDK7 strongly-dependent group 2 enhancer GRCh37_chr8:61693034-61694233; plus strand). Cytogenetic location: 8q12.2.
Variant type: Deletion.
Coding change: c.1808_1811del on transcript NM_017780.4 (MANE Select); coding-DNA positions 1808 to 1811, 4 bases deleted (ACAA; older notation c.1808_1811delACAA).
Protein change: p.Asn603fs; shifts the reading frame from asparagine 603.
Molecular consequence: frameshift variant. On other transcripts: intron variant (1).
Genome position (GRCh38, 1-based): chr8:60,781,142-60,781,145, ACAA deleted; deleting any 4 consecutive bases within chr8:60,781,140-60,781,145 gives the same sequence; the c. name uses the placement nearest the transcript's 3' end. VCF-style (leftmost placement, unchanged base first): chr8-60781139-AAAAC-A. GRCh37 (hg19) VCF-style: chr8-61693698-AAAAC-A.
Other names: c.1716+92_1716+95del (NM_001316690.1); short protein forms N603fs.
Identifiers: ClinVar variation 993689 (VCV000993689.10), dbSNP rs1811203974, ClinGen allele CA1139660578.

ClinVar aggregate classification (germline): Pathogenic. Review status: criteria provided, multiple submitters, no conflicts (2 of 4 stars). 2 submissions from 2 submitters: Pathogenic (2). Last evaluated 2022-01-05.

Conditions:
Hypogonadotropic hypogonadism 5 with or without anosmia (KAL5). Also called: CHD7-Related GnRH Deficiency (Kallmann Syndrome 5); HYPOGONADOTROPIC HYPOGONADISM 5 WITH ANOSMIA; HYPOGONADOTROPHIC HYPOGONADISM 5 WITHOUT ANOSMIA. Identifiers: Orphanet 478, MedGen C3552553, MONDO:0012880, OMIM 612370. Disease mechanism: loss of function.

Submissions (2):

Dasa
Classification: Pathogenic for Hypogonadotropic hypogonadism 5 with or without anosmia. Last evaluated: 2022-01-05. Review status: criteria provided, single submitter. Criteria: ACMG Guidelines, 2015. Collection method: clinical testing. Allele origin: germline. Affected: yes. Observed: 1 variant allele.
Comment: The c.1808_1811del;p.(Asn603Thrfs*4) is a null frameshift variant (NMD) in the CHD7 gene and predicts alteration of the nonsense-mediate decay - NMD is present in a relevantexon to the transcript -PVS1. This sequence change has been observed in affected individual(s) and ClinVar contains an entry for this variant (ClinVar ID: 993689) - PS4_supporting. This variant is not present in population databases (rs1811203974, gnomAD; ABraOM no frequency) - PM2. In summary, the currently available evidence indicates that the variant is pathogenic.

ARUP Laboratories, Molecular Genetics and Genomics, ARUP Laboratories
Classification: Pathogenic. Last evaluated: 2020-04-07. Review status: criteria provided, single submitter. Criteria: ARUP Molecular Germline Variant Investigation Process. Collection method: clinical testing. Allele origin: germline.
Comment: The CHD7 c.1808_1811delACAA; p.Asn603fs variant is reported in the medical literature in at least one individual with atypical CHARGE syndrome (Lee 2009). This variant is also absent from general population databases (Exome Variant Server, Genome Aggregation Database), indicating it is not a common polymorphism. This variant causes a frameshift by deleting 4 nucleotides, so it is predicted to result in a truncated protein or mRNA subject to nonsense-mediated decay. Additionally, several downstream truncating variants have been identified in individuals with CHARGE syndrome and are considered pathogenic (Bartels 2010, Janssen 2012). Based on available information, the c.1808_1811delACAA; p.Asn603fs variant is considered to be pathogenic. REFERENCES Bartels CF et al. Mutations in the CHD7 gene: the experience of a commercial laboratory. Genet Test Mol Biomarkers. 2010 Dec;14(6):881-91. Janssen N et al. Mutation update on the CHD7 gene involved in CHARGE syndrome. Hum Mutat. 2012 Aug;33(8):1149-60. Lee YW et al. Clinical and genetic analysis of the CHD7 gene in Korean patients with CHARGE syndrome. Clin Genet. 2009 Mar;75(3):290-3.